The following is an entry in ClinVar:

ClinVar aggregate classification (germline): Pathogenic (1 of 4 stars; one submission).

Conditions:
Progressive sclerosing poliodystrophy (MTDPS4A). Also called: NEURONAL DEGENERATION OF CHILDHOOD WITH LIVER DISEASE, PROGRESSIVE; Mitochondrial DNA depletion syndrome 4A (Alpers type); Alpers-Huttenlocher Syndrome (AHS); ALPERS PROGRESSIVE INFANTILE POLIODYSTROPHY; Alpers Syndrome; ALPERS DIFFUSE DEGENERATION OF CEREBRAL GRAY MATTER WITH HEPATIC CIRRHOSIS. Identifiers: Orphanet 726, MedGen C0205710, MONDO:0008758, OMIM 203700.

Submission:

Labcorp Genetics (formerly Invitae), Labcorp
Classification: Pathogenic for Progressive sclerosing poliodystrophy. Last evaluated: 2022-09-06. Review status: criteria provided, single submitter. Criteria: Invitae Variant Classification Sherloc (09022015). Collection method: clinical testing. Allele origin: germline.
Comment: This sequence change creates a premature translational stop signal (p.Gln90*) in the POLG gene. It is expected to result in an absent or disrupted protein product. Loss-of-function variants in POLG are known to be pathogenic (PMID: 18546365). This variant is not present in population databases (gnomAD no frequency). This variant has not been reported in the literature in individuals affected with POLG-related conditions. ClinVar contains an entry for this variant (Variation ID: 1076518). Algorithms developed to predict the effect of sequence changes on RNA splicing suggest that this variant may create or strengthen a splice site. For these reasons, this variant has been classified as Pathogenic.

Literature cited by the submitters: PubMed 18546365.

NM_002693.3(POLG):c.268C>T (p.Gln90Ter)

Genes: POLG (DNA polymerase gamma, catalytic subunit; minus strand), POLGARF (POLG alternative reading frame; minus strand). Cytogenetic location: 15q26.1.
Variant type: single nucleotide variant.
Coding change: c.268C>T on transcript NM_002693.3 (MANE Select); coding-DNA position 268, C replaced by T.
Protein change: p.Gln90Ter; replaces glutamine 90 with a stop codon.
Molecular consequence: nonsense.
Genome position (GRCh38, 1-based): chr15:89,333,487, G>A on the plus strand (C>T on the coding strand, the complement: POLG is on the minus strand). VCF-style: chr15-89333487-G-A. GRCh37 (hg19) VCF-style: chr15-89876718-G-A.
Other names: c.268C>T, p.Gln90Ter (NM_001126131.2); short protein forms Q90*.
Identifiers: ClinVar variation 1076518 (VCV001076518.10), dbSNP rs1473911378, ClinGen allele CA393773171.